The following is an entry in ClinVar:

ClinVar aggregate classification (germline): Likely pathogenic. Review status: criteria provided, single submitter (1 of 4 stars). 2 submissions from 2 submitters: Likely pathogenic (1). 1 of the submissions does not count toward it. Last evaluated 2019-07-01.

Conditions:
DICER1-related tumor predisposition. Also called: DICER1-related pleuropulmonary blastoma cancer predisposition syndrome; DICER1 syndrome. Identifiers: Orphanet 284343, MedGen C3839822, MONDO:0100216.
Euthyroid goiter (MNG1). Also called: Goiter, multinodular 1, with or without Sertoli-Leydig cell tumors; MULTINODULAR GOITER, ADOLESCENT; SIMPLE GOITER; GOITER, NONTOXIC, WITH INTRATHYROIDAL CALCIFICATION. Identifiers: Orphanet 276399, MedGen C0302859, MONDO:0007681, OMIM 138800, HP:0009798.

Submissions (2):

Foulkes Cancer Genetics LDI, Lady Davis Institute for Medical Research
Classification: Likely pathogenic for Pleuropulmonary blastoma. Last evaluated: 2019-07-01. Review status: criteria provided, single submitter. Criteria: ACMG Guidelines, 2015. Collection method: curation. Allele origin: germline. Affected: yes. Observed: 4 variant alleles.
Comment: ACMG criteria met: PM2, PM4, PP1, PP5

OMIM
Classification: Pathogenic for GOITER, MULTINODULAR 1, WITH OR WITHOUT SERTOLI-LEYDIG CELL TUMORS. Last evaluated: 2011-01-05. Review status: no assertion criteria provided. Collection method: literature only. Allele origin: germline. Not counted in ClinVar's aggregate classification.

Literature cited by the submitters: PubMed 21205968 (cited by Foulkes Cancer Genetics LDI, Lady Davis Institute for Medical Research and OMIM); PubMed 22187960 (cited by Foulkes Cancer Genetics LDI, Lady Davis Institute for Medical Research); PubMed 18570301 (cited by OMIM).

NM_177438.3(DICER1):c.2457C>G (p.Tyr819Ter)

Gene: DICER1 (dicer 1, ribonuclease III; minus strand). Cytogenetic location: 14q32.13.
Variant type: single nucleotide variant.
Coding change: c.2457C>G on transcript NM_177438.3 (MANE Select); coding-DNA position 2457, C replaced by G.
Protein change: p.Tyr819Ter; replaces tyrosine 819 with a stop codon.
Molecular consequence: nonsense.
Genome position (GRCh38, 1-based): chr14:95,108,073, G>C on the plus strand (C>G on the coding strand, the complement: DICER1 is on the minus strand). VCF-style: chr14-95108073-G-C. GRCh37 (hg19) VCF-style: chr14-95574410-G-C.
Other names: 2457C-G; c.2457C>G, p.Tyr819Ter (NM_001195573.1, NM_001271282.3, NM_001291628.2 and 1 more transcripts); short protein forms Y819*.
Identifiers: ClinVar variation 30565 (VCV000030565.4), dbSNP rs1595380836, ClinGen allele CA390881988.
Genomic context (GRCh38, chr14:95,108,073, plus strand): 5'-AGACAACATGAAACCAGACTTCTTCAACTCAATGGATATGGTAACCTCTCCAGAGCGTGT[G>C]TACACAGGAAAGTGTGGAATCTTAGCAAAAGGAAATGTAAAGCACCCCTCAAAATTAACA-3'